The following is an entry in ClinVar:

NM_000274.4(OAT):c.661_701del (p.Gln220_Asp221insTer)

Genes: OAT (ornithine aminotransferase; minus strand), LOC121815974 (Sharpr-MPRA regulatory region 15365; plus strand). Cytogenetic location: 10q26.13.
Variant type: Deletion.
Coding change: c.661_701del on transcript NM_000274.4 (MANE Select); coding-DNA positions 661 to 701, 41 bases deleted.
Protein change: p.Gln220_Asp221insTer.
Molecular consequence: nonsense.
Genome position (GRCh38, 1-based): chr10:124,403,868-124,403,908, 41 bases deleted; deleting any 41 consecutive bases within chr10:124,403,868-124,403,909 gives the same sequence; the c. name uses the placement nearest the transcript's 3' end. GRCh37 (hg19): chr10:126,092,438-126,092,478.
Other names: c.247_287del, p.Gln82_Asp83insTer (NM_001171814.2); c.661_701del, p.Gln220_Asp221insTer (NM_001322965.2, NM_001322966.2, NM_001322967.2 and 3 more transcripts); c.340_380del, p.Gln113_Asp114insTer (NM_001322971.2); c.61_101del, p.Gln20_Asp21insTer (NM_001322974.2).
Identifiers: ClinVar variation 2849904 (VCV002849904.3), dbSNP rs2494465488, ClinGen allele CA2739276044.

ClinVar aggregate classification (germline): Pathogenic (1 of 4 stars; one submission).

Conditions:
Ornithine aminotransferase deficiency (GACR). Also called: OKT DEFICIENCY; HYPERORNITHINEMIA WITH GYRATE ATROPHY OF CHOROID AND RETINA; OAT DEFICIENCY; Ornithine ketoacid aminotransferase deficiency; Gyrate atrophy; Gyrate atrophy of choroid and retina. Identifiers: Orphanet 414, MedGen C0018425, MONDO:0009796, OMIM 258870.

Submission:

Labcorp Genetics (formerly Invitae), Labcorp
Classification: Pathogenic for Ornithine aminotransferase deficiency. Last evaluated: 2023-03-26. Review status: criteria provided, single submitter. Criteria: Invitae Variant Classification Sherloc (09022015). Collection method: clinical testing. Allele origin: germline.
Comment: This sequence change creates a premature translational stop signal (p.Asp221*) in the OAT gene. It is expected to result in an absent or disrupted protein product. Loss-of-function variants in OAT are known to be pathogenic (PMID: 1737786, 23076989). This variant is not present in population databases (gnomAD no frequency). This variant has not been reported in the literature in individuals affected with OAT-related conditions. Algorithms developed to predict the effect of sequence changes on RNA splicing suggest that this variant may disrupt the consensus splice site. For these reasons, this variant has been classified as Pathogenic.

Literature cited by the submitters: PubMed 1737786; PubMed 23076989.